The following is an entry in ClinVar:

NM_016038.4(SBDS):c.643G>A (p.Gly215Ser)

Gene: SBDS (SBDS ribosome maturation factor; minus strand). Cytogenetic location: 7q11.21.
Variant type: single nucleotide variant.
Coding change: c.643G>A on transcript NM_016038.4 (MANE Select); coding-DNA position 643, G replaced by A.
Protein change: p.Gly215Ser; replaces glycine 215 with serine.
Molecular consequence: missense variant.
Genome position (GRCh38, 1-based): chr7:66,988,481, C>T on the plus strand (G>A on the coding strand, the complement: SBDS is on the minus strand). VCF-style: chr7-66988481-C-T. GRCh37 (hg19) VCF-style: chr7-66453468-C-T.
Other names: short protein forms G215S.
Identifiers: ClinVar variation 3437542 (VCV003437542.1).

ClinVar aggregate classification (germline): Uncertain significance (1 of 4 stars; one submission).

Conditions:
Inborn genetic diseases. Identifiers: MedGen C0950123, MeSH D030342.

Submission:

Ambry Genetics
Classification: Uncertain significance for Inborn genetic diseases. Last evaluated: 2024-12-08. Review status: criteria provided, single submitter. Criteria: Ambry Variant Classification Scheme 2023. Collection method: clinical testing. Allele origin: germline.
Comment: The p.G215S variant (also known as c.643G>A), located in coding exon 5 of the SBDS gene, results from a G to A substitution at nucleotide position 643. The glycine at codon 215 is replaced by serine, an amino acid with similar properties. This amino acid position is conserved. In addition, this alteration is predicted to be deleterious by in silico analysis. Based on the available evidence, the clinical significance of this variant remains unclear.